The following is an entry in ClinVar:

ClinVar aggregate classification (germline): Uncertain significance (1 of 4 stars; one submission).

gnomAD v4.1: 3 of 1,614,120 alleles (0.00019%); highest among the groups gnomAD compares: Non-Finnish European, 0.000085%; no homozygotes.

Submission:

Dasa
Classification: Uncertain significance. Last evaluated: 2025-01-12. Review status: criteria provided, single submitter. Criteria: DASA Assertion Criteria. Collection method: clinical testing. Allele origin: germline.
Comment: NM_001378418.1(TCF20):c.4034G>A (p.Arg1345Gln) is a missense variant that results in the substitution of arginine with glutamine. This variant is rare in population databases. The currently available literature and clinical evidence are not sufficient to establish a definitive association between this variant and the reported condition. Therefore, this variant is classified as a variant of uncertain significance.

NM_001378418.1(TCF20):c.4034G>A (p.Arg1345Gln)

Gene: TCF20 (transcription factor 20; minus strand). Cytogenetic location: 22q13.2.
Variant type: single nucleotide variant.
Coding change: c.4034G>A on transcript NM_001378418.1 (MANE Select); coding-DNA position 4034, G replaced by A.
Protein change: p.Arg1345Gln; replaces arginine 1345 with glutamine.
Molecular consequence: missense variant.
Genome position (GRCh38, 1-based): chr22:42,211,272, C>T on the plus strand (G>A on the coding strand, the complement: TCF20 is on the minus strand). VCF-style: chr22-42211272-C-T. GRCh37 (hg19) VCF-style: chr22-42607278-C-T.
Other names: c.4034G>A, p.Arg1345Gln (NM_005650.4, NM_181492.3); short protein forms R1345Q.
Identifiers: ClinVar variation 4883813 (VCV004883813.2).